The following is an entry in ClinVar:

ClinVar aggregate classification (germline): Benign/Likely benign. Review status: criteria provided, multiple submitters, no conflicts (2 of 4 stars). 4 submissions from 4 submitters: Benign (1); Likely benign (3). Last evaluated 2025-12-01.

Conditions:
Timothy syndrome (TS). Also called: LONG QT SYNDROME WITH SYNDACTYLY. Identifiers: Orphanet 65283, MedGen C1832916, MeSH C536962, MONDO:0010979, OMIM 601005.
Brugada syndrome 3 (BRGDA3). Identifiers: Orphanet 130, MedGen C2678478, MONDO:0012742, OMIM 611875.
Long QT syndrome 8. Identifiers: MedGen CN260585, MONDO:0032756, OMIM 618447.
Cardiovascular phenotype. Identifiers: MedGen CN230736.
Long QT syndrome (LQTS). Identifiers: MedGen C0023976, MeSH D008133, MONDO:0002442. Disease mechanism: loss of function. Inheritance: Various modes of inheritance.

Allele frequency attached by ClinVar (database versions not stated): gnomAD 0.00001; gnomAD exomes 0.00001 and 0.00005; ExAC 0.00006; TOPMed 0.00006; 1000 Genomes Project 30x 0.00016; 1000 Genomes Project 0.00020.
gnomAD v4.1: 20 of 1,611,142 alleles (0.0012%); highest among the groups gnomAD compares: Admixed American, 0.028%; no homozygotes.

Submissions (4):

Labcorp Genetics (formerly Invitae), Labcorp
Classification: Likely benign for Long QT syndrome. Last evaluated: 2025-12-01. Review status: criteria provided, single submitter. Criteria: Invitae Variant Classification Sherloc (09022015). Collection method: clinical testing. Allele origin: germline.

Fulgent Genetics
Classification: Likely benign for Timothy syndrome; Brugada syndrome 3; Long QT syndrome 8. Last evaluated: 2021-09-08. Review status: criteria provided, single submitter. Criteria: ACMG Guidelines, 2015. Collection method: clinical testing. Allele origin: unknown.

Ambry Genetics
Classification: Likely benign for Cardiovascular phenotype. Last evaluated: 2018-07-16. Review status: criteria provided, single submitter. Criteria: Ambry Variant Classification Scheme 2023. Collection method: clinical testing. Allele origin: germline.

GeneDx
Classification: Benign. Last evaluated: 2014-09-29. Review status: criteria provided, single submitter. Criteria: GeneDx Variant Classification (06012015). Collection method: clinical testing. Allele origin: germline. Affected: yes.
Comment: This variant is considered likely benign or benign based on one or more of the following criteria: it is a conservative change, it occurs at a poorly conserved position in the protein, it is predicted to be benign by multiple in silico algorithms, and/or has population frequency not consistent with disease.

NM_000719.7(CACNA1C):c.5157C>G (p.Pro1719=)

Genes: CACNA1C (calcium voltage-gated channel subunit alpha1 C; plus strand), CACNA1C-AS1 (CACNA1C antisense RNA 1; minus strand). Cytogenetic location: 12p13.33.
Variant type: single nucleotide variant.
Coding change: c.5157C>G on transcript NM_000719.7 (MANE Select); coding-DNA position 5157, C replaced by G.
Protein change: p.Pro1719=; no amino-acid change (proline 1719 retained).
Molecular consequence: synonymous variant.
Genome position (GRCh38, 1-based): chr12:2,679,509, C>G. VCF-style: chr12-2679509-C-G. GRCh37 (hg19) VCF-style: chr12-2788675-C-G.
Other names: p.P1719P:CCC>CCG; c.5301C>G, p.Pro1767= (NM_001129827.2, NM_199460.4); c.5280C>G, p.Pro1760= (NM_001129829.2); c.5157C>G, p.Pro1719= (NM_001129830.3, NM_001129840.2, NM_001129841.2 and 4 more transcripts); c.5241C>G, p.Pro1747= (NM_001129831.2); c.5217C>G, p.Pro1739= (NM_001129832.2); c.5214C>G, p.Pro1738= (NM_001129833.2, NM_001129834.2, NM_001129835.2); c.5208C>G, p.Pro1736= (NM_001129836.2); and 4 more.
Identifiers: ClinVar variation 190623 (VCV000190623.14), dbSNP rs534589273, ClinGen allele CA301156.